The following is an entry in ClinVar:

ClinVar aggregate classification (germline): Uncertain significance (1 of 4 stars; one submission).

Conditions:
MELAS syndrome (MELAS). Also called: Juvenile myopathy, encephalopathy, lactic acidosis, stroke. Identifiers: Orphanet 550, MedGen C0162671, MONDO:0010789, OMIM 540000.

Submission:

Wong Mito Lab, Molecular and Human Genetics, Baylor College of Medicine
Classification: Uncertain significance for MELAS syndrome. Last evaluated: 2019-07-12. Review status: criteria provided, single submitter. Criteria: Modified ACMG Guidelines (Unpublished). Collection method: clinical testing. Allele origin: germline.
Comment: The NC_012920.1:m.10457T>C variant in MT-TR gene is interpreted to be a Unknown Significance variant based on the modified ACMG guidelines (unpublished). This variant meets the following evidence codes reported in the guidelines: BP4

Literature cited by the submitters: PubMed 31965079.

NC_012920.1(MT-TR):m.10457T>C

Gene: MT-TR (mitochondrially encoded tRNA arginine; plus strand).
Variant type: single nucleotide variant.
Genome position: chrM-10457-T-C.
Identifiers: ClinVar variation 690125 (VCV000690125.1), dbSNP rs1603222845, ClinGen allele CA913163351.